The following is an entry in ClinVar:

ClinVar aggregate classification (germline): Benign/Likely benign. Review status: criteria provided, multiple submitters, no conflicts (2 of 4 stars). 3 submissions from 3 submitters: Benign (1); Likely benign (2). Last evaluated 2025-03-04.

Allele frequency attached by ClinVar (database versions not stated): 1000 Genomes Project 0.00359; 1000 Genomes Project 30x 0.00375; ESP Exome Variant Server 0.00800; TOPMed 0.00804; gnomAD exomes 0.00979 and 0.01017; gnomAD 0.00986 and 0.00991; ExAC 0.01033.
gnomAD v4.1: 15,867 of 1,569,870 alleles (1%); highest among the groups gnomAD compares: Middle Eastern, 1.8%; 142 homozygotes.

Submissions (3):

Center for Genomic Medicine, Rigshospitalet, Copenhagen University Hospital
Classification: Benign. Last evaluated: 2025-03-04. Review status: criteria provided, single submitter. Criteria: ACMG Guidelines, 2015. Collection method: clinical testing. Allele origin: germline.

GeneDx
Classification: Likely benign. Last evaluated: 2018-06-18. Review status: criteria provided, single submitter. Criteria: GeneDx Variant Classification (06012015). Collection method: clinical testing. Allele origin: germline. Affected: yes.
Comment: This variant is considered likely benign or benign based on one or more of the following criteria: it is a conservative change, it occurs at a poorly conserved position in the protein, it is predicted to be benign by multiple in silico algorithms, and/or has population frequency not consistent with disease.

Breakthrough Genomics
Classification: Likely benign. Review status: criteria provided, single submitter. Criteria: ACMG Guidelines, 2015. Collection method: not provided. Allele origin: germline. Inheritance: Autosomal dominant inheritance. Affected: yes.

NM_002691.4(POLD1):c.1686+47G>A

Gene: POLD1 (DNA polymerase delta 1, catalytic subunit; plus strand). Cytogenetic location: 19q13.33.
Variant type: single nucleotide variant.
Coding change: c.1686+47G>A on transcript NM_002691.4 (MANE Select); 47 bases into the intron after coding-DNA position 1686, G replaced by A.
Molecular consequence: intron variant.
Genome position (GRCh38, 1-based): chr19:50,407,221, G>A. VCF-style: chr19-50407221-G-A. GRCh37 (hg19) VCF-style: chr19-50910478-G-A.
Other names: c.1686+47G>A (NM_001256849.1, NM_001308632.1).
Identifiers: ClinVar variation 676533 (VCV000676533.9), dbSNP rs3219399, ClinGen allele CA9596221.